The following is an entry in ClinVar:

ClinVar aggregate classification (germline): Benign/Likely benign. Review status: criteria provided, multiple submitters, no conflicts (2 of 4 stars). 3 submissions from 3 submitters: Benign (1); Likely benign (2). Last evaluated 2025-12-08.

Conditions:
Epilepsy, progressive myoclonic, 1B. Also called: PME. Identifiers: Orphanet 308, MedGen C2676254, MONDO:0012904, OMIM 612437.

Allele frequency attached by ClinVar (database versions not stated): gnomAD exomes 0.00008; ExAC 0.00009; 1000 Genomes Project 30x 0.00016; TOPMed 0.00019; 1000 Genomes Project 0.00020; gnomAD 0.00021; ESP Exome Variant Server 0.00023.
gnomAD v4.1: 85 of 1,613,778 alleles (0.0053%); highest among the groups gnomAD compares: African/African-American, 0.068%; no homozygotes.

Submissions (3):

Labcorp Genetics (formerly Invitae), Labcorp
Classification: Likely benign for Epilepsy, progressive myoclonic, 1B. Last evaluated: 2025-12-08. Review status: criteria provided, single submitter. Criteria: Invitae Variant Classification Sherloc (09022015). Collection method: clinical testing. Allele origin: germline.

Blueprint Genetics
Classification: Likely benign. Last evaluated: 2024-09-03. Review status: criteria provided, single submitter. Criteria: ACMG Guidelines, 2015. Collection method: clinical testing. Allele origin: germline.

GeneDx
Classification: Benign. Last evaluated: 2014-03-03. Review status: criteria provided, single submitter. Criteria: GeneDx Variant Classification (06012015). Collection method: clinical testing. Allele origin: germline. Affected: yes.
Comment: This variant is considered likely benign or benign based on one or more of the following criteria: it is a conservative change, it occurs at a poorly conserved position in the protein, it is predicted to be benign by multiple in silico algorithms, and/or has population frequency not consistent with disease.

NM_153026.3(PRICKLE1):c.775+20G>A

Gene: PRICKLE1 (prickle planar cell polarity protein 1; minus strand). Cytogenetic location: 12q12.
Variant type: single nucleotide variant.
Coding change: c.775+20G>A on transcript NM_153026.3 (MANE Select); 20 bases into the intron after coding-DNA position 775, G replaced by A.
Molecular consequence: intron variant.
Genome position (GRCh38, 1-based): chr12:42,466,174, C>T on the plus strand (G>A on the coding strand, the complement: PRICKLE1 is on the minus strand). VCF-style: chr12-42466174-C-T. GRCh37 (hg19) VCF-style: chr12-42859976-C-T.
Other names: c.775+20G>A (NM_001144883.2, NM_001144882.2, NM_001144881.2).
Identifiers: ClinVar variation 138805 (VCV000138805.10), dbSNP rs190710237, ClinGen allele CA292913.